The following is an entry in ClinVar:

NM_004606.5(TAF1):c.-76_-74delGTT

Gene: TAF1 (TATA-box binding protein associated factor 1; plus strand). Cytogenetic location: Xq13.1.
Variant type: Microsatellite.
Coding change: c.-76_-74delGTT on transcript NM_004606.5 (MANE Select); 76 bases upstream of the start codon through 74 bases upstream of the start codon, 3 bases deleted (GTT).
Genome position (GRCh38, 1-based): chrX:71,366,299-71,366,301, GTT deleted; deleting any 3 consecutive bases within chrX:71,366,295-71,366,301 gives the same sequence; the c. name uses the placement nearest the transcript's 3' end. VCF-style (leftmost placement, unchanged base first): chrX-71366294-CTGT-C. GRCh37 (hg19) VCF-style: chrX-70586144-CTGT-C.
Identifiers: ClinVar variation 3768362 (VCV003768362.1).

ClinVar aggregate classification (germline): Uncertain significance (1 of 4 stars; one submission).

Submission:

Women's Health and Genetics/Laboratory Corporation of America, LabCorp
Classification: Uncertain significance. Last evaluated: 2024-12-02. Review status: criteria provided, single submitter. Criteria: LabCorp Variant Classification Summary - May 2015. Collection method: clinical testing. Allele origin: germline.
Comment: Variant summary: TAF1 c.-76_-74delGTT is located in the untranscribed region upstream of the TAF1 gene region. The variant allele was found at a frequency of 1.6e-05 in 182885 control chromosomes. The available data on variant occurrences in the general population are insufficient to allow any conclusion about variant significance. To our knowledge, no occurrence of c.-76_-74delGTT in individuals affected with Mental Retardation, X-Linked, Syndromic 33 and no experimental evidence demonstrating its impact on protein function have been reported. No submitters have cited clinical-significance assessments for this variant to ClinVar. Based on the evidence outlined above, the variant was classified as uncertain significance.